The following is an entry in ClinVar:

NM_001369268.1(ACAN):c.492C>A (p.Tyr164Ter)

Gene: ACAN (aggrecan; plus strand). Cytogenetic location: 15q26.1.
Variant type: single nucleotide variant.
Coding change: c.492C>A on transcript NM_001369268.1 (MANE Select); coding-DNA position 492, C replaced by A.
Protein change: p.Tyr164Ter; replaces tyrosine 164 with a stop codon.
Molecular consequence: nonsense.
Genome position (GRCh38, 1-based): chr15:88,840,049, C>A. VCF-style: chr15-88840049-C-A. GRCh37 (hg19) VCF-style: chr15-89383280-C-A.
Other names: c.492C>A, p.Tyr164Ter (NM_001135.4, NM_013227.4); short protein forms Y164*.
Identifiers: ClinVar variation 1189835 (VCV001189835.16), dbSNP rs375322679, ClinGen allele CA393716871.

ClinVar aggregate classification (germline): Pathogenic. Review status: criteria provided, multiple submitters, no conflicts (2 of 4 stars). 4 submissions from 4 submitters: Pathogenic (4). Last evaluated 2025-10-17.

Conditions:
Osteochondritis dissecans. Identifiers: Orphanet 251262, Orphanet 2764, MedGen C0029421, MONDO:0017178, HP:0010886.
Spondyloepimetaphyseal dysplasia, aggrecan type. Also called: SEMD, AGGRECAN TYPE. Identifiers: Orphanet 171866, MedGen C2748544, MONDO:0013014, OMIM 612813.
Short stature and advanced bone age, with or without early-onset osteoarthritis and/or osteochondritis dissecans (SSOAOD). Identifiers: Orphanet 251262, MedGen C3665488, MONDO:0100462, OMIM 165800.
Spondyloepiphyseal dysplasia, Kimberley type. Identifiers: Orphanet 93283, MedGen C1842149, MONDO:0012019, OMIM 608361.

Submissions (4):

Labcorp Genetics (formerly Invitae), Labcorp
Classification: Pathogenic. Last evaluated: 2025-10-17. Review status: criteria provided, single submitter. Criteria: Invitae Variant Classification Sherloc (09022015). Collection method: clinical testing. Allele origin: germline.
Comment: This sequence change creates a premature translational stop signal (p.Tyr164*) in the ACAN gene. It is expected to result in an absent or disrupted protein product. Loss-of-function variants in ACAN are known to be pathogenic (PMID: 16080123, 24762113). This variant is not present in population databases (gnomAD no frequency). This premature translational stop signal has been observed in individual(s) with autosomal dominant short stature (PMID: 27870580). ClinVar contains an entry for this variant (Variation ID: 1189835). Algorithms developed to predict the effect of sequence changes on RNA splicing suggest that this variant may disrupt the consensus splice site. For these reasons, this variant has been classified as Pathogenic.

GeneDx
Classification: Pathogenic. Last evaluated: 2025-07-21. Review status: criteria provided, single submitter. Criteria: GeneDx Variant Classification Process June 2021. Collection method: clinical testing. Allele origin: germline. Affected: yes.
Comment: Nonsense variant predicted to result in protein truncation or nonsense mediated decay in a gene for which loss of function is a known mechanism of disease; Not observed at significant frequency in large population cohorts (gnomAD); This variant is associated with the following publications: (PMID: 35001504, 35620465)

Fulgent Genetics
Classification: Pathogenic for Short stature and advanced bone age, with or without early-onset osteoarthritis and/or osteochondritis dissecans; Spondyloepiphyseal dysplasia, Kimberley type; Spondyloepimetaphyseal dysplasia, aggrecan type. Last evaluated: 2024-01-30. Review status: criteria provided, single submitter. Criteria: ACMG Guidelines, 2015. Collection method: clinical testing. Allele origin: germline.

Genetics and Molecular Pathology, SA Pathology
Classification: Pathogenic for Osteochondritis dissecans. Last evaluated: 2021-07-29. Review status: criteria provided, single submitter. Criteria: ACMG Guidelines, 2015. Collection method: clinical testing. Allele origin: germline. Affected: yes.

Literature cited by the submitters: PubMed 16080123 (cited by Labcorp Genetics (formerly Invitae), Labcorp); PubMed 24762113 (cited by Labcorp Genetics (formerly Invitae), Labcorp); PubMed 27870580 (cited by Labcorp Genetics (formerly Invitae), Labcorp).